The following is an entry in ClinVar:

ClinVar aggregate classification (germline): Likely pathogenic (1 of 4 stars; one submission).

Conditions:
Glycogen storage disease, type V (GSD5). Also called: McArdle type glycogen storage disease; PYGM DEFICIENCY; MCARDLE DISEASE; MUSCLE GLYCOGEN PHOSPHORYLASE DEFICIENCY; MYOPHOSPHORYLASE DEFICIENCY. Identifiers: Orphanet 368, MedGen C0017924, MONDO:0009293, OMIM 232600.

Submission:

Labcorp Genetics (formerly Invitae), Labcorp
Classification: Likely pathogenic for Glycogen storage disease, type V. Last evaluated: 2021-04-17. Review status: criteria provided, single submitter. Criteria: Invitae Variant Classification Sherloc (09022015). Collection method: clinical testing. Allele origin: germline.
Comment: In summary, the currently available evidence indicates that the variant is pathogenic, but additional data are needed to prove that conclusively. Therefore, this variant has been classified as Likely Pathogenic. Algorithms developed to predict the effect of sequence changes on RNA splicing suggest that this variant may disrupt the consensus splice site, but this prediction has not been confirmed by published transcriptional studies. This variant has not been reported in the literature in individuals with PYGM-related conditions. This variant is not present in population databases (ExAC no frequency). This sequence change affects an acceptor splice site in intron 12 of the PYGM gene. It is expected to disrupt RNA splicing. Variants that disrupt the donor or acceptor splice site typically lead to a loss of protein function (PMID: 16199547), and loss-of-function variants in PYGM are known to be pathogenic (PMID: 8316268, 16786513).

Literature cited by the submitters: PubMed 16199547; PubMed 8316268; PubMed 16786513.

NM_005609.4(PYGM):c.1519-1G>A

Gene: PYGM (glycogen phosphorylase, muscle associated; minus strand). Cytogenetic location: 11q13.1.
Variant type: single nucleotide variant.
Coding change: c.1519-1G>A on transcript NM_005609.4 (MANE Select); the canonical splice acceptor site of the intron before coding-DNA position 1519, G replaced by A.
Molecular consequence: splice acceptor variant.
Genome position (GRCh38, 1-based): chr11:64,752,505, C>T on the plus strand (G>A on the coding strand, the complement: PYGM is on the minus strand). VCF-style: chr11-64752505-C-T. GRCh37 (hg19) VCF-style: chr11-64519977-C-T.
Other names: c.1255-1G>A (NM_001164716.1).
Identifiers: ClinVar variation 1497931 (VCV001497931.8), dbSNP rs2135831491, ClinGen allele CA381174286.
Genomic context (GRCh38, chr11:64,752,505, plus strand): 5'-CACAAAGGAGAGCAGTTTGCGCAGCTGGTCCAGGTCAGAGATGAAGTCCTCCCCGATGCG[C>T]TATGGGAAGACGGCTCTCAGCCAAGCCCATCCCCATGTCCTCCCTCCTCCCAACACAGAA-3'